The following is an entry in ClinVar:

NM_018089.3(ANKZF1):c.308G>A (p.Arg103His)

Gene: ANKZF1 (ankyrin repeat and zinc finger peptidyl tRNA hydrolase 1; plus strand). Cytogenetic location: 2q35.
Variant type: single nucleotide variant.
Coding change: c.308G>A on transcript NM_018089.3 (MANE Select); coding-DNA position 308, G replaced by A.
Protein change: p.Arg103His; replaces arginine 103 with histidine.
Molecular consequence: missense variant. On other transcripts: intron variant (1).
Genome position (GRCh38, 1-based): chr2:219,232,306, G>A. VCF-style: chr2-219232306-G-A. GRCh37 (hg19) VCF-style: chr2-220097028-G-A.
Other names: c.308G>A, p.Arg103His (NM_001042410.2); c.-266-184G>A (NM_001282792.2); c.308G>A (NM_018089.2); short protein forms R103H.
Identifiers: ClinVar variation 3626498 (VCV003626498.3).

ClinVar aggregate classification (germline): Uncertain significance. Review status: criteria provided, multiple submitters, no conflicts (2 of 4 stars). 2 submissions from 2 submitters: Uncertain significance (2). Last evaluated 2025-04-30.

gnomAD v4.1: 35 of 1,614,080 alleles (0.0022%); highest among the groups gnomAD compares: Admixed American, 0.0033%; no homozygotes.

Submissions (2):

Ambry Genetics
Classification: Uncertain significance. Last evaluated: 2025-04-30. Review status: criteria provided, single submitter. Criteria: Ambry Variant Classification Scheme 2023. Collection method: clinical testing. Allele origin: germline.

Labcorp Genetics (formerly Invitae), Labcorp
Classification: Uncertain significance. Last evaluated: 2024-09-27. Review status: criteria provided, single submitter. Criteria: Invitae Variant Classification Sherloc (09022015). Collection method: clinical testing. Allele origin: germline.
Comment: This sequence change replaces arginine, which is basic and polar, with histidine, which is basic and polar, at codon 103 of the ANKZF1 protein (p.Arg103His). This variant is present in population databases (rs765254854, gnomAD 0.006%). This variant has not been reported in the literature in individuals affected with ANKZF1-related conditions. An algorithm developed to predict the effect of missense changes on protein structure and function outputs the following: PolyPhen-2: "Benign". The histidine amino acid residue is found in multiple mammalian species, which suggests that this missense change does not adversely affect protein function. In summary, the available evidence is currently insufficient to determine the role of this variant in disease. Therefore, it has been classified as a Variant of Uncertain Significance.